The following is an entry in ClinVar:

NM_005251.3(FOXC2):c.1020C>T (p.Thr340=)

Gene: FOXC2 (forkhead box C2; plus strand). Cytogenetic location: 16q24.1.
Variant type: single nucleotide variant.
Coding change: c.1020C>T on transcript NM_005251.3 (MANE Select); coding-DNA position 1020, C replaced by T.
Protein change: p.Thr340=; no amino-acid change (threonine 340 retained).
Molecular consequence: synonymous variant.
Genome position (GRCh38, 1-based): chr16:86,568,355, C>T. VCF-style: chr16-86568355-C-T. GRCh37 (hg19) VCF-style: chr16-86601961-C-T.
Identifiers: ClinVar variation 4984193 (VCV004984193.1).
Genomic context (GRCh38, chr16:86,568,355, plus strand): 5'-CCTGGAGGCCGGGGCCGCCGGGGGCTACCAGTGCAGCATGCGAGCGATGAGCCTGTACAC[C>T]GGGGCCGAGCGGCCGGCGCACATGTGCGTCCCGCCCGCCCTGGACGAGGCCCTCTCGGAC-3'
Protein context (NP_005242.1, residues 330-350): QCSMRAMSLY[Thr340=]GAERPAHMCV

ClinVar aggregate classification (germline): Uncertain significance (1 of 4 stars; one submission).

Conditions:
FOXC2-related disorder. Also called: FOXC2-related condition.

Submission:

PreventionGenetics, part of Exact Sciences
Classification: Uncertain significance for FOXC2-related condition. Last evaluated: 2026-01-26. Review status: criteria provided, single submitter. Criteria: ACMG Guidelines, 2015. Collection method: clinical testing. Allele origin: germline.
Comment: The FOXC2 c.1020C>T variant is not predicted to result in an amino acid change (p.=). This variant is not predicted to interfere with splicing based on available splicing prediction programs (SpliceAI, Jaganathan et al. 2019. PubMed ID: 30661751). To our knowledge, this variant has not been reported in the literature or in a large population database (gnomAD), indicating this variant is rare. At this time, the clinical significance of this variant is uncertain due to the absence of conclusive functional and genetic evidence.